The following is an entry in ClinVar:

NM_152564.5(VPS13B):c.9283T>G (p.Phe3095Val)

Gene: VPS13B (vacuolar protein sorting 13 homolog B; plus strand). Cytogenetic location: 8q22.2.
Variant type: single nucleotide variant.
Coding change: c.9283T>G on transcript NM_152564.5 (MANE Select); coding-DNA position 9283, T replaced by G.
Protein change: p.Phe3095Val; replaces phenylalanine 3095 with valine.
Molecular consequence: missense variant.
Genome position (GRCh38, 1-based): chr8:99,823,931, T>G. VCF-style: chr8-99823931-T-G. GRCh37 (hg19) VCF-style: chr8-100836159-T-G.
Other names: c.9358T>G, p.Phe3120Val (NM_017890.5); short protein forms F3120V, F3095V.
Identifiers: ClinVar variation 1036002 (VCV001036002.6), dbSNP rs1814520891, ClinGen allele CA371780344.

ClinVar aggregate classification (germline): Uncertain significance (1 of 4 stars; one submission).

Conditions:
Cohen syndrome (COH1). Also called: PEPPER SYNDROME; Cutis verticis gyrata, retinitis pigmentosa, and sensorineural deafness. Identifiers: Orphanet 193, MedGen C0265223, MONDO:0008999, OMIM 216550.

Submission:

Labcorp Genetics (formerly Invitae), Labcorp
Classification: Uncertain significance for Cohen syndrome. Last evaluated: 2022-01-26. Review status: criteria provided, single submitter. Criteria: Invitae Variant Classification Sherloc (09022015). Collection method: clinical testing. Allele origin: germline.
Comment: This sequence change replaces phenylalanine, which is neutral and non-polar, with valine, which is neutral and non-polar, at codon 3120 of the VPS13B protein (p.Phe3120Val). In summary, the available evidence is currently insufficient to determine the role of this variant in disease. Therefore, it has been classified as a Variant of Uncertain Significance. Algorithms developed to predict the effect of sequence changes on RNA splicing suggest that this variant may create or strengthen a splice site. Algorithms developed to predict the effect of missense changes on protein structure and function are either unavailable or do not agree on the potential impact of this missense change (SIFT: "Not Available"; PolyPhen-2: "Benign"; Align-GVGD: "Not Available"). ClinVar contains an entry for this variant (Variation ID: 1036002). This variant has not been reported in the literature in individuals affected with VPS13B-related conditions. This variant is not present in population databases (gnomAD no frequency).